The following is an entry in ClinVar:

ClinVar aggregate classification (germline): Pathogenic/Likely pathogenic. Review status: criteria provided, multiple submitters, no conflicts (2 of 4 stars). 11 submissions from 11 submitters: Pathogenic (6); Likely pathogenic (4). 1 of the submissions does not count toward it. Last evaluated 2026-08-09.

Conditions:
EDAR-related disorder. Also called: EDAR-related condition.
Autosomal recessive hypohidrotic ectodermal dysplasia syndrome. Also called: Autosomal recessive hypohidrotic ectodermal dysplasia. Identifiers: Orphanet 248, MedGen C0406702, MONDO:0016619.
Ectodermal dysplasia 10A, hypohidrotic/hair/nail type, autosomal dominant (ECTD10A). Also called: Ectodermal Dysplasia 3, Anhidrotic. Identifiers: Orphanet 1810, Orphanet 238468, MedGen C3888065, MONDO:0007509, OMIM 129490.
Ectodermal dysplasia 11B, hypohidrotic/hair/tooth type, autosomal recessive. Identifiers: Orphanet 238468, Orphanet 248, MedGen C3539920, MONDO:0013983, OMIM 614941.
Ectodermal dysplasia 10a, hypohidrotic/hair/tooth type, autosomal dominant. Identifiers: MedGen C3551587.
Ectodermal dysplasia. Also called: Ectodermal dysplasia syndrome. Identifiers: Orphanet 79373, MedGen C0013575, MONDO:0019287, HP:0000968.

Allele frequency attached by ClinVar (database versions not stated): TOPMed below 0.00001.

Submissions (11):

Genetics Laboratory, Great Ormond Street Hospital NHS Foundation Trust, North Thames Genomic Laboratory Hub
Classification: Likely pathogenic for Ectodermal dysplasia. Last evaluated: 2026-08-09. Review status: criteria provided, single submitter. Criteria: ACGS Best Practice Guidelines for Variant Classification in Rare Disease 2024 v1.2. Collection method: clinical testing. Allele origin: germline. Affected: yes.
Comment: PS4_moderate, PM2_moderate, PS3_supporting, PM6_moderate

Labcorp Genetics (formerly Invitae), Labcorp
Classification: Pathogenic for Ectodermal dysplasia 10A, hypohidrotic/hair/nail type, autosomal dominant; Autosomal recessive hypohidrotic ectodermal dysplasia syndrome. Last evaluated: 2026-01-06. Review status: criteria provided, single submitter. Criteria: Invitae Variant Classification Sherloc (09022015). Collection method: clinical testing. Allele origin: germline.
Comment: This sequence change replaces arginine, which is basic and polar, with glutamine, which is neutral and polar, at codon 420 of the EDAR protein (p.Arg420Gln). This variant is not present in population databases (gnomAD no frequency). This missense change has been observed in individual(s) with autosomal dominant hypohidrotic ectodermal dysplasia (PMID: 10431241, 16435307, 18231121, 20979233, 23401279, 27657131). In at least one individual the variant was observed to be de novo. It has also been observed to segregate with disease in related individuals. ClinVar contains an entry for this variant (Variation ID: 5853). Invitae Evidence Modeling of protein sequence and biophysical properties (such as structural, functional, and spatial information, amino acid conservation, physicochemical variation, residue mobility, and thermodynamic stability) has been performed for this missense variant. However, the output from this modeling did not meet the statistical confidence thresholds required to predict the impact of this variant on EDAR protein function. Experimental studies have shown that this missense change affects EDAR function (PMID: 11035039, 15013427). For these reasons, this variant has been classified as Pathogenic.

GeneDx
Classification: Pathogenic. Last evaluated: 2024-09-20. Review status: criteria provided, single submitter. Criteria: GeneDx Variant Classification Process June 2021. Collection method: clinical testing. Allele origin: germline. Affected: yes.
Comment: Published functional studies demonstrate a damaging effect: R420Q disrupts NF-kB pathway activation and turns off repression of the Lef-1/b-catenin-dependent transcriptional activity leading to abnormal ectodermal differentiation and hair follicle morphogenesis (PMID: 11035039, 15013427); Not observed in large population cohorts (gnomAD); Missense variants in this gene are a common cause of disease and they are underrepresented in the general population; In silico analysis indicates that this missense variant does not alter protein structure/function; This variant is associated with the following publications: (PMID: 17943131, 18231121, 15013427, 29364747, 20301291, 11035039, 31245878, 16435307, 10431241)

Blueprint Genetics
Classification: Pathogenic for EDAR-related disorders. Last evaluated: 2023-06-12. Review status: criteria provided, single submitter. Criteria: ACMG Guidelines, 2015. Collection method: clinical testing. Allele origin: germline. Affected: yes. Observed: 2 variant alleles.

Greenwood Genetic Center Diagnostic Laboratories, Greenwood Genetic Center
Classification: Pathogenic for Ectodermal dysplasia 10A, hypohidrotic/hair/nail type, autosomal dominant. Last evaluated: 2022-10-10. Review status: criteria provided, single submitter. Criteria: ACMG Guidelines, 2015. Collection method: clinical testing. Allele origin: germline. Affected: yes.
Comment: PS3, PS4, PM1, PM2, PP3

Genomic Research Center, Shahid Beheshti University of Medical Sciences
Classification: Likely pathogenic for ECTODERMAL DYSPLASIA ANHIDROTIC 03. Last evaluated: 2019-01-01. Review status: criteria provided, single submitter. Criteria: ACMG Guidelines, 2015. Collection method: clinical testing. Allele origin: unknown. Affected: yes. Observed: 1 variant allele.

SIB Swiss Institute of Bioinformatics
Classification: Pathogenic for Ectodermal dysplasia 10A, hypohidrotic/hair/nail type, autosomal dominant. Last evaluated: 2018-10-15. Review status: criteria provided, single submitter. Criteria: ACMG Guidelines, 2015. Collection method: curation. Allele origin: unknown.
Comment: This variant is interpreted as Pathogenic, for Ectodermal dysplasia 10A, hypohidrotic/hair/nail type, autosomal dominant. The following ACMG Tag(s) were applied: PM2 => Absent from controls (or at extremely low frequency if recessive) in Exome Sequencing Project, 1000 Genomes Project, or Exome Aggregation Consortium. PM6 => Assumed de novo, but without confirmation of paternity and maternity (PubMed 16435307). PP1 => Cosegregation with disease in multiple affected family members in a gene definitively known to cause the disease (PubMed 18231121) (PubMed 10431241). PM1 => Located in a mutational hot spot and/or critical and well-established functional domain (e.g., active site of an enzyme) without benign variation. PS3 => Well-established functional studies show a deleterious effect (PubMed 11035039).

Baylor Genetics
Classification: Likely pathogenic for Ectodermal dysplasia 11B, hypohidrotic/hair/tooth type, autosomal recessive. Last evaluated: 2018-01-25. Review status: criteria provided, single submitter. Criteria: ACMG Guidelines, 2015. Collection method: clinical testing. Allele origin: de novo. Affected: yes.
Comment: This variant was determined to be likely pathogenic according to ACMG Guidelines, 2015 [PMID:25741868]. This variant has been reported in a family with autosomal dominant hypohidrotic ectodermal dysplasia [PMID: 10431241] and was shown to decrease the EDAR protein's ability to repress the Lef-1/b-catenin activity in vitro [PMID: 15013427]

Eurofins Ntd Llc (ga)
Classification: Likely pathogenic. Last evaluated: 2016-04-19. Review status: criteria provided, single submitter. Criteria: EGL Classification Definitions 2015. Collection method: clinical testing. Allele origin: germline. Observed: 3 variant alleles, 3 heterozygotes.

Neuberg Centre For Genomic Medicine, NCGM
Classification: Pathogenic for Ectodermal dysplasia 10A, hypohidrotic/hair/nail type, autosomal dominant. Review status: criteria provided, single submitter. Criteria: ACMG Guidelines, 2015. Collection method: clinical testing. Allele origin: germline. Inheritance: Autosomal dominant inheritance. Affected: yes.
Comment: The missense variant c.1259G>Ap.Arg420Gln in EDAR gene has been reported previously in heterozygous state in multiple individuals with Ectodermal Dysplasia Zeng B, et al., 2016, Cluzeau C, et al., 2011. Experimental studies have shown that this missense change affects EDAR function Shindo M, Chaudhary PM, 2004. The variant is novel not in any individuals in gnomAD Exomes and 1000 Genomes. This variant has been reported to the ClinVar database as Pathogenic/Likely Pathogenic. The amino acid Arginine at position 420 is changed to a Glutamine changing protein sequence and it might alter its composition and physico-chemical properties. The variant is predicted to be damaging by SIFT. The amino acid change p.Arg420Gln in EDAR is predicted as conserved by GERP++ and PhyloP across 100 vertebrates. For these reasons, this variant has been classified as Pathogenic.

OMIM
Classification: Pathogenic for ECTODERMAL DYSPLASIA 10A, HYPOHIDROTIC/HAIR/TOOTH TYPE, AUTOSOMAL DOMINANT. Last evaluated: 1999-08-01. Review status: no assertion criteria provided. Collection method: literature only. Allele origin: germline. Not counted in ClinVar's aggregate classification.

Literature cited by the submitters: PubMed 10431241 (cited by 5 submitters); PubMed 16435307 (cited by 3 submitters); PubMed 18231121 (cited by Labcorp Genetics (formerly Invitae), Labcorp and SIB Swiss Institute of Bioinformatics); PubMed 20979233 (cited by Labcorp Genetics (formerly Invitae), Labcorp); PubMed 23401279 (cited by Labcorp Genetics (formerly Invitae), Labcorp); PubMed 27657131 (cited by Labcorp Genetics (formerly Invitae), Labcorp); PubMed 11035039 (cited by Labcorp Genetics (formerly Invitae), Labcorp); PubMed 15013427 (cited by Labcorp Genetics (formerly Invitae), Labcorp and Baylor Genetics).

NM_022336.4(EDAR):c.1259G>A (p.Arg420Gln)

Genes: EDAR (ectodysplasin A receptor; minus strand), RANBP2 (RAN binding protein 2; plus strand). Cytogenetic location: 2q13.
Variant type: single nucleotide variant.
Coding change: c.1259G>A on transcript NM_022336.4 (MANE Select); coding-DNA position 1259, G replaced by A.
Protein change: p.Arg420Gln; replaces arginine 420 with glutamine.
Molecular consequence: missense variant.
Genome position (GRCh38, 1-based): chr2:108,896,995, C>T on the plus strand (G>A on the coding strand, the complement: EDAR is on the minus strand). VCF-style: chr2-108896995-C-T. GRCh37 (hg19) VCF-style: chr2-109513451-C-T.
Other names: short protein forms R420Q.
Identifiers: ClinVar variation 5853 (VCV000005853.25), dbSNP rs121908453, ClinGen allele CA117810.
Genomic context (GRCh38, chr2:108,896,995, plus strand): 5'-GGTGGCACAACCCCCGCCCACTCCAGTATGTCTGCACACAAGGACTCCACAGCATCCAGC[C>T]GCTCAATCTGCACCAGTTTTGTGAGTAGCTCAGGGATGCTGTAGCCTGCCGTGCTGATGC-3'
Protein context (NP_071731.1, residues 410-430): ELLTKLVQIE[Arg420Gln]LDAVESLCAD